The following is an entry in ClinVar:

ClinVar aggregate classification (germline): Uncertain significance. Review status: criteria provided, multiple submitters, no conflicts (2 of 4 stars). 3 submissions from 3 submitters: Uncertain significance (3). Last evaluated 2025-11-26.

Conditions:
Neurodevelopmental disorder with progressive microcephaly, spasticity, and brain anomalies. Identifiers: Orphanet 521426, MedGen C4479631, MONDO:0060502, OMIM 617527.
Inborn genetic diseases. Identifiers: MedGen C0950123, MeSH D030342.

Allele frequency attached by ClinVar (database versions not stated): ExAC 0.00009; gnomAD exomes 0.00009 and 0.00016; TOPMed 0.00011; gnomAD 0.00012 and 0.00013; ESP Exome Variant Server 0.00023.
gnomAD v4.1: 251 of 1,613,430 alleles (0.016%); highest among the groups gnomAD compares: Non-Finnish European, 0.019%; no homozygotes.

Submissions (3):

Ambry Genetics
Classification: Uncertain significance for Inborn genetic diseases. Last evaluated: 2025-11-26. Review status: criteria provided, single submitter. Criteria: Ambry Variant Classification Scheme 2023. Collection method: clinical testing. Allele origin: germline.

Labcorp Genetics (formerly Invitae), Labcorp
Classification: Uncertain significance. Last evaluated: 2025-07-28. Review status: criteria provided, single submitter. Criteria: Invitae Variant Classification Sherloc (09022015). Collection method: clinical testing. Allele origin: germline.
Comment: This sequence change replaces alanine, which is neutral and non-polar, with threonine, which is neutral and polar, at codon 264 of the PLAA protein (p.Ala264Thr). This variant is present in population databases (rs201894598, gnomAD 0.02%). This variant has not been reported in the literature in individuals affected with PLAA-related conditions. ClinVar contains an entry for this variant (Variation ID: 1439737). Invitae Evidence Modeling of protein sequence and biophysical properties (such as structural, functional, and spatial information, amino acid conservation, physicochemical variation, residue mobility, and thermodynamic stability) indicates that this missense variant is not expected to disrupt PLAA protein function with a negative predictive value of 80%. In summary, the available evidence is currently insufficient to determine the role of this variant in disease. Therefore, it has been classified as a Variant of Uncertain Significance.

Revvity Omics, Revvity
Classification: Uncertain significance for Neurodevelopmental disorder with progressive microcephaly, spasticity, and brain anomalies. Last evaluated: 2025-01-20. Review status: criteria provided, single submitter. Criteria: ACMG Guidelines, 2015. Collection method: clinical testing. Allele origin: germline.

NM_001031689.3(PLAA):c.790G>A (p.Ala264Thr)

Gene: PLAA (phospholipase A2 activating protein; minus strand). Cytogenetic location: 9p21.2.
Variant type: single nucleotide variant.
Coding change: c.790G>A on transcript NM_001031689.3 (MANE Select); coding-DNA position 790, G replaced by A.
Protein change: p.Ala264Thr; replaces alanine 264 with threonine.
Molecular consequence: missense variant.
Genome position (GRCh38, 1-based): chr9:26,925,904, C>T on the plus strand (G>A on the coding strand, the complement: PLAA is on the minus strand). VCF-style: chr9-26925904-C-T. GRCh37 (hg19) VCF-style: chr9-26925902-C-T.
Other names: c.790G>A, p.Ala264Thr (NM_001321546.2); c.790G>A (NM_001031689.2); short protein forms A264T.
Identifiers: ClinVar variation 1439737 (VCV001439737.8), dbSNP rs201894598, ClinGen allele CA5014549.
Genomic context (GRCh38, chr9:26,925,904, plus strand): 5'-CACCATTGTCGAGCACACAGCAGCACCATATAGACTGAGCTGGAAGTCGGATAGTTTGAG[C>T]ACATTCCCCATGTTTCCAGATTCTCAGAGATCTGTCCTCTGCTGTTGTCACAAAGTCTAA-3'
Protein context (NP_001026859.1, residues 254-274): SLRIWKHGEC[Ala264Thr]QTIRLPAQSI